The following is an entry in ClinVar:

ClinVar aggregate classification (germline): Uncertain significance (1 of 4 stars; one submission).

Allele frequency attached by ClinVar (database versions not stated): TOPMed below 0.00001.

Submission:

Labcorp Genetics (formerly Invitae), Labcorp
Classification: Uncertain significance. Last evaluated: 2022-07-19. Review status: criteria provided, single submitter. Criteria: Invitae Variant Classification Sherloc (09022015). Collection method: clinical testing. Allele origin: germline.
Comment: This variant has not been reported in the literature in individuals affected with USH2A-related conditions. This sequence change replaces valine, which is neutral and non-polar, with alanine, which is neutral and non-polar, at codon 373 of the USH2A protein (p.Val373Ala). This variant is not present in population databases (gnomAD no frequency). Algorithms developed to predict the effect of missense changes on protein structure and function are either unavailable or do not agree on the potential impact of this missense change (SIFT: "Deleterious"; PolyPhen-2: "Benign"; Align-GVGD: "Class C0"). In summary, the available evidence is currently insufficient to determine the role of this variant in disease. Therefore, it has been classified as a Variant of Uncertain Significance. ClinVar contains an entry for this variant (Variation ID: 1371710).

NM_206933.4(USH2A):c.1118T>C (p.Val373Ala)

Gene: USH2A (usherin; minus strand). Cytogenetic location: 1q41.
Variant type: single nucleotide variant.
Coding change: c.1118T>C on transcript NM_206933.4 (MANE Select); coding-DNA position 1118, T replaced by C.
Protein change: p.Val373Ala; replaces valine 373 with alanine.
Molecular consequence: missense variant.
Genome position (GRCh38, 1-based): chr1:216,325,330, A>G on the plus strand (T>C on the coding strand, the complement: USH2A is on the minus strand). VCF-style: chr1-216325330-A-G. GRCh37 (hg19) VCF-style: chr1-216498672-A-G.
Other names: c.1118T>C, p.Val373Ala (NM_007123.6); short protein forms V373A.
Identifiers: ClinVar variation 1371710 (VCV001371710.6), dbSNP rs2037707193, ClinGen allele CA344912216.